The following is an entry in ClinVar:

ClinVar aggregate classification (germline): Uncertain significance (1 of 4 stars; one submission).

Conditions:
Retinoblastoma (RB1). Also called: RETINOBLASTOMA, SOMATIC. Identifiers: Orphanet 790, MedGen C0035335, MeSH D012175, MONDO:0008380, OMIM 180200, HP:0009919. Disease mechanism: loss of function. Inheritance: Both sporadic and heritable forms are tested..

Submission:

Labcorp Genetics (formerly Invitae), Labcorp
Classification: Uncertain significance for Retinoblastoma. Last evaluated: 2025-06-24. Review status: criteria provided, single submitter. Criteria: Invitae Variant Classification Sherloc (09022015). Collection method: clinical testing. Allele origin: germline.
Comment: This variant, c.599_601dup, results in the insertion of 1 amino acid(s) of the RB1 protein (p.Leu200_Ala201insVal), but otherwise preserves the integrity of the reading frame. This variant is not present in population databases (gnomAD no frequency). This variant has not been reported in the literature in individuals affected with RB1-related conditions. In summary, the available evidence is currently insufficient to determine the role of this variant in disease. Therefore, it has been classified as a Variant of Uncertain Significance.

NM_000321.3(RB1):c.599_601dup (p.Leu200_Ala201insVal)

Gene: RB1 (RB transcriptional corepressor 1; plus strand). Cytogenetic location: 13q14.2.
Variant type: Duplication.
Coding change: c.599_601dup on transcript NM_000321.3 (MANE Select); coding-DNA positions 599 to 601, 3 bases duplicated (TAG; older notation c.599_601dupTAG).
Protein change: p.Leu200_Ala201insVal.
Molecular consequence: inframe insertion.
Genome position (GRCh38, 1-based): chr13:48,349,015-48,349,017, TAG duplicated. VCF-style (leftmost placement, unchanged base first): chr13-48349014-T-TTAG. GRCh37 (hg19) VCF-style: chr13-48923150-T-TTAG.
Other names: c.599_601dup, p.Leu200_Ala201insVal (NM_001407165.1, NM_001407166.1).
Identifiers: ClinVar variation 4722002 (VCV004722002.1).